The following is an entry in ClinVar:

NM_004304.5(ALK):c.2584G>A (p.Glu862Lys)

Gene: ALK (ALK receptor tyrosine kinase; minus strand). Cytogenetic location: 2p23.2.
Variant type: single nucleotide variant.
Coding change: c.2584G>A on transcript NM_004304.5 (MANE Select); coding-DNA position 2584, G replaced by A.
Protein change: p.Glu862Lys; replaces glutamic acid 862 with lysine.
Molecular consequence: missense variant.
Genome position (GRCh38, 1-based): chr2:29,232,352, C>T on the plus strand (G>A on the coding strand, the complement: ALK is on the minus strand). VCF-style: chr2-29232352-C-T. GRCh37 (hg19) VCF-style: chr2-29455218-C-T.
Other names: c.2584G>A (NM_004304.4); short protein forms E862K.
Identifiers: ClinVar variation 1496252 (VCV001496252.8), dbSNP rs1461504517, ClinGen allele CA346471727.

ClinVar aggregate classification (germline): Uncertain significance. Review status: criteria provided, multiple submitters, no conflicts (2 of 4 stars). 3 submissions from 3 submitters: Uncertain significance (3). Last evaluated 2025-03-28.

Conditions:
Neuroblastoma, susceptibility to, 3. Also called: ALK-Related Neuroblastic Tumor Susceptibility. Identifiers: Orphanet 635, MedGen C2751681, MONDO:0013083, OMIM 613014.
Hereditary cancer-predisposing syndrome. Also called: Tumor predisposition; Hereditary neoplastic syndrome; Neoplastic Syndromes, Hereditary; Hereditary Cancer Syndrome. Identifiers: Orphanet 140162, MedGen C0027672, MeSH D009386, MONDO:0015356.

Allele frequency attached by ClinVar (database versions not stated): TOPMed below 0.00001; gnomAD 0.00001.
gnomAD v4.1: 2 of 1,614,132 alleles (0.00012%); highest among the groups gnomAD compares: African/African-American, 0.0027%; no homozygotes.

Submissions (3):

Ambry Genetics
Classification: Uncertain significance for Hereditary cancer-predisposing syndrome. Last evaluated: 2025-03-28. Review status: criteria provided, single submitter. Criteria: Ambry Variant Classification Scheme 2023. Collection method: clinical testing. Allele origin: germline.
Comment: The p.E862K variant (also known as c.2584G>A), located in coding exon 15 of the ALK gene, results from a G to A substitution at nucleotide position 2584. The glutamic acid at codon 862 is replaced by lysine, an amino acid with similar properties. This amino acid position is conserved. In addition, the in silico prediction for this alteration is inconclusive. Based on the available evidence, the clinical significance of this variant remains unclear.

GeneDx
Classification: Uncertain significance. Last evaluated: 2023-08-02. Review status: criteria provided, single submitter. Criteria: GeneDx Variant Classification Process June 2021. Collection method: clinical testing. Allele origin: germline. Affected: yes.
Comment: Not observed at significant frequency in large population cohorts (gnomAD); In silico analysis supports that this missense variant does not alter protein structure/function; Has not been previously published as pathogenic or benign to our knowledge

Labcorp Genetics (formerly Invitae), Labcorp
Classification: Uncertain significance for Neuroblastoma, susceptibility to, 3. Last evaluated: 2021-09-26. Review status: criteria provided, single submitter. Criteria: Invitae Variant Classification Sherloc (09022015). Collection method: clinical testing. Allele origin: germline.
Comment: In summary, the available evidence is currently insufficient to determine the role of this variant in disease. Therefore, it has been classified as a Variant of Uncertain Significance. Algorithms developed to predict the effect of missense changes on protein structure and function (SIFT, PolyPhen-2, Align-GVGD) all suggest that this variant is likely to be disruptive. This variant has not been reported in the literature in individuals affected with ALK-related conditions. This variant is not present in population databases (ExAC no frequency). This sequence change replaces glutamic acid with lysine at codon 862 of the ALK protein (p.Glu862Lys). The glutamic acid residue is highly conserved and there is a small physicochemical difference between glutamic acid and lysine.